The following is an entry in ClinVar:

NM_014159.7(SETD2):c.2786TAG[1] (p.Val930del)

Gene: SETD2 (SET domain containing 2, histone lysine methyltransferase; minus strand). Cytogenetic location: 3p21.31.
Variant type: Microsatellite.
Coding change: c.2786TAG[1] on transcript NM_014159.7 (MANE Select); one copy of the 3-base unit TAG starting at c.2786; the reference has two copies in a row; one copy, 3 bases deleted.
Protein change: p.Val930del; deletes valine 930.
Molecular consequence: non-coding transcript variant (on NR_146158.3).
Genome position (GRCh38, 1-based): chr3:47,121,845-47,121,847, CTA deleted on the plus strand (TAG on the coding strand, the reverse complement: SETD2 is on the minus strand); deleting any 3 consecutive bases within chr3:47,121,845-47,121,850 gives the same sequence; the position shown is the placement nearest the transcript's 3' end. VCF-style (leftmost placement, unchanged base first): chr3-47121844-TCTA-T. GRCh37 (hg19) VCF-style: chr3-47163334-TCTA-T.
Other names: c.2654TAG[1], p.Val886del (NM_001349370.3); short protein forms V930del, V886del.
Identifiers: ClinVar variation 3699186 (VCV003699186.2).

ClinVar aggregate classification (germline): Uncertain significance (1 of 4 stars; one submission).

Conditions:
Luscan-Lumish syndrome. Identifiers: Orphanet 597738, MedGen C4085873, MONDO:0014791, OMIM 616831.

Submission:

Labcorp Genetics (formerly Invitae), Labcorp
Classification: Uncertain significance for Luscan-Lumish syndrome. Last evaluated: 2024-05-29. Review status: criteria provided, single submitter. Criteria: Invitae Variant Classification Sherloc (09022015). Collection method: clinical testing. Allele origin: germline.
Comment: This variant, c.2789_2791del, results in the deletion of 1 amino acid(s) of the SETD2 protein (p.Val930del), but otherwise preserves the integrity of the reading frame. This variant is present in population databases (no rsID available, gnomAD 0.0009%). This variant has not been reported in the literature in individuals affected with SETD2-related conditions. Experimental studies and prediction algorithms are not available or were not evaluated, and the functional significance of this variant is currently unknown. In summary, the available evidence is currently insufficient to determine the role of this variant in disease. Therefore, it has been classified as a Variant of Uncertain Significance.